The following is an entry in ClinVar:

NM_002972.4(SBF1):c.4834G>A (p.Val1612Met)

Gene: SBF1 (SET binding factor 1; minus strand). Cytogenetic location: 22q13.33.
Variant type: single nucleotide variant.
Coding change: c.4834G>A on transcript NM_002972.4 (MANE Select); coding-DNA position 4834, G replaced by A.
Protein change: p.Val1612Met; replaces valine 1612 with methionine.
Molecular consequence: missense variant.
Genome position (GRCh38, 1-based): chr22:50,454,721, C>T on the plus strand (G>A on the coding strand, the complement: SBF1 is on the minus strand). VCF-style: chr22-50454721-C-T. GRCh37 (hg19) VCF-style: chr22-50893150-C-T.
Other names: c.4759G>A, p.Val1587Met (NM_001365819.1); short protein forms V1587M, V1612M.
Identifiers: ClinVar variation 1033958 (VCV001033958.14), dbSNP rs370715026, ClinGen allele CA10316098.

ClinVar aggregate classification (germline): Uncertain significance. Review status: criteria provided, multiple submitters, no conflicts (2 of 4 stars). 5 submissions from 5 submitters: Uncertain significance (5). Last evaluated 2025-10-22.

Conditions:
Charcot-Marie-Tooth disease type 4B3. Also called: CHARCOT-MARIE-TOOTH DISEASE, DEMYELINATING, TYPE 4B3; Charcot-Marie-Tooth Neuropathy Type 4B3. Identifiers: Orphanet 363981, MedGen C3695063, MONDO:0014117, OMIM 615284.

Allele frequency attached by ClinVar (database versions not stated): gnomAD exomes 0.00004 and 0.00005; gnomAD 0.00005; TOPMed 0.00006; ExAC 0.00008; ESP Exome Variant Server 0.00017.

Submissions (5):

Labcorp Genetics (formerly Invitae), Labcorp
Classification: Uncertain significance. Last evaluated: 2025-10-22. Review status: criteria provided, single submitter. Criteria: Invitae Variant Classification Sherloc (09022015). Collection method: clinical testing. Allele origin: germline.
Comment: This sequence change replaces valine, which is neutral and non-polar, with methionine, which is neutral and non-polar, at codon 1612 of the SBF1 protein (p.Val1612Met). This variant is present in population databases (rs370715026, gnomAD 0.009%). This variant has not been reported in the literature in individuals affected with SBF1-related conditions. ClinVar contains an entry for this variant (Variation ID: 1033958). Invitae Evidence Modeling of protein sequence and biophysical properties (such as structural, functional, and spatial information, amino acid conservation, physicochemical variation, residue mobility, and thermodynamic stability) indicates that this missense variant is not expected to disrupt SBF1 protein function with a negative predictive value of 80%. In summary, the available evidence is currently insufficient to determine the role of this variant in disease. Therefore, it has been classified as a Variant of Uncertain Significance.

Ambry Genetics
Classification: Uncertain significance. Last evaluated: 2025-03-16. Review status: criteria provided, single submitter. Criteria: Ambry Variant Classification Scheme 2023. Collection method: clinical testing. Allele origin: germline.

Mayo Clinic Laboratories, Mayo Clinic
Classification: Uncertain significance. Last evaluated: 2020-07-30. Review status: criteria provided, single submitter. Criteria: ACMG Guidelines, 2015. Collection method: clinical testing. Allele origin: germline. Observed: 1 variant allele.

Baylor Genetics
Classification: Uncertain significance for Charcot-Marie-Tooth disease type 4B3. Last evaluated: 2018-06-28. Review status: criteria provided, single submitter. Criteria: ACMG Guidelines, 2015. Collection method: clinical testing. Allele origin: unknown. Affected: yes.
Comment: This variant was determined to be of uncertain significance according to ACMG Guidelines, 2015 [PMID:25741868].

Breakthrough Genomics
Classification: Uncertain significance. Review status: criteria provided, single submitter. Criteria: ACMG Guidelines, 2015. Collection method: not provided. Allele origin: germline. Inheritance: Autosomal dominant inheritance. Affected: yes.